The following is an entry in ClinVar:

NC_012920.1(MT-TE):m.14684C>T

Gene: MT-TE (mitochondrially encoded tRNA glutamic acid; minus strand).
Variant type: single nucleotide variant.
Genome position: chrM-14684-C-T.
Identifiers: ClinVar variation 690200 (VCV000690200.2), dbSNP rs1603224831, ClinGen allele CA913171809.
Genomic context (GRCh38, chrMT:14,684, plus strand): 5'-ACAAACCCCATTACTAAACCCACACTCAACAGAAACAAAGCATACATCATTATTCTCGCA[C>T]GGACTACAACCACGACCAATGATATGAAAAACCATCGTTGTATTTCAACTACAAGAACAC-3'

ClinVar aggregate classification (germline): Benign/Likely benign. Review status: criteria provided, multiple submitters, no conflicts (2 of 4 stars). 2 submissions from 2 submitters: Benign (1); Likely benign (1). Last evaluated 2025-02-16.

Conditions:
MELAS syndrome (MELAS). Also called: Juvenile myopathy, encephalopathy, lactic acidosis, stroke. Identifiers: Orphanet 550, MedGen C0162671, MONDO:0010789, OMIM 540000.

Submissions (2):

Laboratory of Genetics, Children's Clinical University Hospital Latvia
Classification: Likely benign. Last evaluated: 2025-02-16. Review status: criteria provided, single submitter. Criteria: ACMG Guidelines, 2015. Collection method: clinical testing. Allele origin: germline. Affected: yes.

Wong Mito Lab, Molecular and Human Genetics, Baylor College of Medicine
Classification: Benign for MELAS syndrome. Last evaluated: 2019-07-12. Review status: criteria provided, single submitter. Criteria: Modified ACMG Guidelines (Unpublished). Collection method: clinical testing. Allele origin: germline.
Comment: The NC_012920.1:m.14684C>T variant in MT-TE gene is interpreted to be a Benign variant based on the modified ACMG guidelines (unpublished). This variant meets the following evidence codes reported in the guidelines: BS1, BS2, BP4

Literature cited by the submitters: PubMed 31965079 (cited by Wong Mito Lab, Molecular and Human Genetics, Baylor College of Medicine).